The following is an entry in ClinVar:

NM_001244008.2(KIF1A):c.5095G>A (p.Val1699Met)

Gene: KIF1A (kinesin family member 1A; minus strand). Cytogenetic location: 2q37.3.
Variant type: single nucleotide variant.
Coding change: c.5095G>A on transcript NM_001244008.2 (MANE Select); coding-DNA position 5095, G replaced by A.
Protein change: p.Val1699Met; replaces valine 1699 with methionine.
Molecular consequence: missense variant.
Genome position (GRCh38, 1-based): chr2:240,719,125, C>T on the plus strand (G>A on the coding strand, the complement: KIF1A is on the minus strand). VCF-style: chr2-240719125-C-T. GRCh37 (hg19) VCF-style: chr2-241658542-C-T.
Other names: c.4819G>A, p.Val1607Met (NM_001320705.2, NM_001379649.1); c.4846G>A, p.Val1616Met (NM_001330289.2); c.4894G>A, p.Val1632Met (NM_001330290.2, NM_001379648.1); c.5170G>A, p.Val1724Met (NM_001379631.1); c.5071G>A, p.Val1691Met (NM_001379632.1); c.5068G>A, p.Val1690Met (NM_001379633.1, NM_001379645.1); c.4921G>A, p.Val1641Met (NM_001379634.1); c.4918G>A, p.Val1640Met (NM_001379635.1, NM_001379646.1); and 7 more; short protein forms V1598M, V1699M, V1616M, V1607M, V1632M, V1597M, V1606M, V1615M.
Identifiers: ClinVar variation 583308 (VCV000583308.11), dbSNP rs1559472826, ClinGen allele CA351298479.

ClinVar aggregate classification (germline): Uncertain significance. Review status: criteria provided, multiple submitters, no conflicts (2 of 4 stars). 3 submissions from 3 submitters: Uncertain significance (3). Last evaluated 2024-11-21.

Conditions:
Neuropathy, hereditary sensory, type 2C. Also called: KIF1A-Related HSAN2 (HSAN2C); Hereditary sensory and autonomic neuropathy type IIC. Identifiers: Orphanet 970, MedGen C3280168, MONDO:0013634, OMIM 614213.
Intellectual disability, autosomal dominant 9 (NESCAVS). Also called: NESCAV SYNDROME; KIF1A-Related Neurodevelopmental Disorder. Identifiers: Orphanet 662367, MedGen C5393830, MONDO:0013656, OMIM 614255.
Hereditary spastic paraplegia 30. Identifiers: Orphanet 101010, MedGen C5235139, MONDO:0012476.
Neuropathy, hereditary sensory and autonomic, type 2A (HSAN2A). Also called: ACROOSTEOLYSIS, GIACCAI TYPE; MORVAN DISEASE; NEUROPATHY, CONGENITAL SENSORY; NEUROPATHY, HEREDITARY SENSORY RADICULAR, AUTOSOMAL RECESSIVE; NEUROPATHY, HEREDITARY SENSORY, TYPE IIA; NEUROPATHY, PROGRESSIVE SENSORY, OF CHILDREN. Identifiers: Orphanet 970, MedGen C2752089, MONDO:0024309, OMIM 201300.

Allele frequency attached by ClinVar (database versions not stated): gnomAD exomes below 0.00001; TOPMed below 0.00001; gnomAD 0.00001.

Submissions (3):

Labcorp Genetics (formerly Invitae), Labcorp
Classification: Uncertain significance for Hereditary spastic paraplegia 30; Neuropathy, hereditary sensory, type 2C; Intellectual disability, autosomal dominant 9. Last evaluated: 2024-11-21. Review status: criteria provided, single submitter. Criteria: Invitae Variant Classification Sherloc (09022015). Collection method: clinical testing. Allele origin: germline.
Comment: This sequence change replaces valine, which is neutral and non-polar, with methionine, which is neutral and non-polar, at codon 1598 of the KIF1A protein (p.Val1598Met). This variant is not present in population databases (gnomAD no frequency). This variant has not been reported in the literature in individuals affected with KIF1A-related conditions. ClinVar contains an entry for this variant (Variation ID: 583308). Invitae Evidence Modeling of protein sequence and biophysical properties (such as structural, functional, and spatial information, amino acid conservation, physicochemical variation, residue mobility, and thermodynamic stability) indicates that this missense variant is not expected to disrupt KIF1A protein function with a negative predictive value of 95%. In summary, the available evidence is currently insufficient to determine the role of this variant in disease. Therefore, it has been classified as a Variant of Uncertain Significance.

Women's Health and Genetics/Laboratory Corporation of America, LabCorp
Classification: Uncertain significance. Last evaluated: 2022-03-31. Review status: criteria provided, single submitter. Criteria: LabCorp Variant Classification Summary - May 2015. Collection method: clinical testing. Allele origin: germline.
Comment: Variant summary: KIF1A c.4792G>A (p.Val1598Met) results in a conservative amino acid change located in the Pleckstrin homology domain (IPR001849) of the encoded protein sequence. Three of five in-silico tools predict a damaging effect of the variant on protein function. The variant was absent in 248216 control chromosomes (gnomAD). The available data on variant occurrences in the general population are insufficient to allow any conclusion about variant significance. To our knowledge, no occurrence of c.4792G>A in individuals affected with NESCAV Syndrome and no experimental evidence demonstrating its impact on protein function have been reported. One ClinVar submitter (evaluation after 2014) cites the variant as uncertain significance. Based on the evidence outlined above, the variant was classified as uncertain significance.

Fulgent Genetics
Classification: Uncertain significance for Neuropathy, hereditary sensory and autonomic, type 2A; Spastic paraplegia 30A, autosomal dominant; Neuropathy, hereditary sensory, type 2C; Intellectual disability, autosomal dominant 9. Last evaluated: 2021-09-15. Review status: criteria provided, single submitter. Criteria: ACMG Guidelines, 2015. Collection method: clinical testing. Allele origin: unknown.